The following is an entry in ClinVar:

ClinVar aggregate classification (germline): not provided (0 of 4 stars; one submission).

Allele frequency attached by ClinVar (database versions not stated): gnomAD exomes 0.00002 and 0.00008; TOPMed 0.00002; ExAC 0.00003; gnomAD 0.00003.

Submission:

ITMI
No classification provided. Condition: AllHighlyPenetrant. Last evaluated: 2013-09-19. Review status: no classification provided. Collection method: reference population. Allele origin: germline.
Comment: Please see associated publication for description of ethnicities

Literature cited by the submitters: PubMed 24728327.

NM_024408.4(NOTCH2):c.6974A>G (p.Gln2325Arg)

Gene: NOTCH2 (notch receptor 2; minus strand). Cytogenetic location: 1p12.
Variant type: single nucleotide variant.
Coding change: c.6974A>G on transcript NM_024408.4 (MANE Select); coding-DNA position 6974, A replaced by G.
Protein change: p.Gln2325Arg; replaces glutamine 2325 with arginine.
Molecular consequence: missense variant.
Genome position (GRCh38, 1-based): chr1:119,915,748, T>C on the plus strand (A>G on the coding strand, the complement: NOTCH2 is on the minus strand). VCF-style: chr1-119915748-T-C. GRCh37 (hg19) VCF-style: chr1-120458371-T-C.
Other names: short protein forms Q2325R.
Identifiers: ClinVar variation 134981 (VCV000134981.1), dbSNP rs587778577, ClinGen allele CA161289.